The following is an entry in ClinVar:

ClinVar aggregate classification (germline): Likely pathogenic (0 of 4 stars; one submission).

Conditions:
Hereditary factor VIII deficiency disease (HEMA). Also called: AUTOSOMAL HEMOPHILIA A; Hemophilia A, congenital; HEM A; Factor 8 deficiency, congenital; HEMOPHILIA, CLASSIC; Hemophilia A. Identifiers: Orphanet 98878, MedGen C0019069, MONDO:0010602, OMIM 306700.

Submission:

Angelo Bianchi Bonomi Hemophilia and Thrombosis Center, Fondazione IRCCS Ca Granda Ospedale Maggiore Policlinico
Classification: Likely pathogenic for Hereditary factor VIII deficiency disease. Last evaluated: 2019-06-01. Review status: no assertion criteria provided. Collection method: clinical testing. Allele origin: germline. Affected: yes. Observed: 1 variant allele.
Comment: analyzed by CADD

NM_000132.4(F8):c.2627T>A (p.Leu876Ter)

Gene: F8 (coagulation factor VIII; minus strand). Cytogenetic location: Xq28.
Variant type: single nucleotide variant.
Coding change: c.2627T>A on transcript NM_000132.4 (MANE Select); coding-DNA position 2627, T replaced by A.
Protein change: p.Leu876Ter; replaces leucine 876 with a stop codon.
Molecular consequence: nonsense.
Genome position (GRCh38, 1-based): chrX:154,931,163, A>T on the plus strand (T>A on the coding strand, the complement: F8 is on the minus strand). VCF-style: chrX-154931163-A-T. GRCh37 (hg19) VCF-style: chrX-154159438-A-T.
Other names: short protein forms L876*.
Identifiers: ClinVar variation 973810 (VCV000973810.2), dbSNP rs2073195449, ClinGen allele CA414901277.